The following is an entry in ClinVar:

ClinVar aggregate classification (germline): Benign. Review status: criteria provided, multiple submitters, no conflicts (2 of 4 stars). 2 submissions from 2 submitters: Benign (2). Last evaluated 2018-06-13.

Allele frequency attached by ClinVar (database versions not stated): 1000 Genomes Project 0.01418; 1000 Genomes Project 30x 0.01452; gnomAD 0.03426; ExAC 0.03993; ESP Exome Variant Server 0.04323.
gnomAD v4.1: 81,505 of 1,610,758 alleles (5.1%); highest among the groups gnomAD compares: Non-Finnish European, 6.2%; 2,418 homozygotes.

Submissions (2):

GeneDx
Classification: Benign. Last evaluated: 2018-06-13. Review status: criteria provided, single submitter. Criteria: GeneDx Variant Classification (06012015). Collection method: clinical testing. Allele origin: germline. Affected: yes.
Comment: This variant is considered likely benign or benign based on one or more of the following criteria: it is a conservative change, it occurs at a poorly conserved position in the protein, it is predicted to be benign by multiple in silico algorithms, and/or has population frequency not consistent with disease.

Breakthrough Genomics
Classification: Benign. Review status: criteria provided, single submitter. Criteria: ACMG Guidelines, 2015. Collection method: not provided. Allele origin: germline. Inheritance: Unknown mechanism. Affected: yes.

NM_001080779.2(MYO1C):c.3065+21G>A

Gene: MYO1C (myosin IC; minus strand). Cytogenetic location: 17p13.3.
Variant type: single nucleotide variant.
Coding change: c.3065+21G>A on transcript NM_001080779.2 (MANE Select); 21 bases into the intron after coding-DNA position 3065, G replaced by A.
Molecular consequence: intron variant.
Genome position (GRCh38, 1-based): chr17:1,467,459, C>T on the plus strand (G>A on the coding strand, the complement: MYO1C is on the minus strand). VCF-style: chr17-1467459-C-T. GRCh37 (hg19) VCF-style: chr17-1370753-C-T.
Other names: c.2960+21G>A (NM_033375.5); c.3008+21G>A (NM_001080950.2); c.2993+21G>A (NM_001363855.1).
Identifiers: ClinVar variation 682784 (VCV000682784.2), dbSNP rs118068886, ClinGen allele CA8266681.